The following is an entry in ClinVar:

NM_001244008.2(KIF1A):c.317C>A (p.Thr106Asn)

Gene: KIF1A (kinesin family member 1A; minus strand). Cytogenetic location: 2q37.3.
Variant type: single nucleotide variant.
Coding change: c.317C>A on transcript NM_001244008.2 (MANE Select); coding-DNA position 317, C replaced by A.
Protein change: p.Thr106Asn; replaces threonine 106 with asparagine.
Molecular consequence: missense variant.
Genome position (GRCh38, 1-based): chr2:240,788,097, G>T on the plus strand (C>A on the coding strand, the complement: KIF1A is on the minus strand). VCF-style: chr2-240788097-G-T. GRCh37 (hg19) VCF-style: chr2-241727514-G-T.
Other names: c.317C>A, p.Thr106Asn (NM_001379632.1, NM_001379633.1, NM_001379634.1 and 20 more transcripts); short protein forms T106N.
Identifiers: ClinVar variation 974923 (VCV000974923.1), dbSNP rs2055181124, ClinGen allele CA351310173.
Genomic context (GRCh38, chr2:240,788,097, plus strand): 5'-CCCCCGCTTCGTGCCTGTGGGATGATGCCCTGCTGGTCCTTCTCCTGCTTGCCCATCATG[G>T]TGTAGGACTTGCCGGCACCCGTCTGCCCATAGGCGAAGATGCACACGTTGTATCCCTCAA-3'
Protein context (NP_001230937.1, residues 96-116): YGQTGAGKSY[Thr106Asn]MMGKQEKDQQ

ClinVar aggregate classification (germline): Likely pathogenic (1 of 4 stars; one submission).

Conditions:
Hereditary spastic paraplegia 30. Identifiers: Orphanet 101010, MedGen C5235139, MONDO:0012476.

Submission:

SIB Swiss Institute of Bioinformatics
Classification: Likely pathogenic for Spastic paraplegia 30A, autosomal dominant. Last evaluated: 2020-06-15. Review status: criteria provided, single submitter. Criteria: ACMG Guidelines, 2015. Collection method: curation. Allele origin: unknown.
Comment: This variant is interpreted as likely pathogenic for spastic paraplegia 30, autosomal dominant. The following ACMG Tag(s) were applied: Absent from controls (or at extremely low frequency if recessive) in Exome Sequencing Project, 1000 Genomes Project, or Exome Aggregation Consortium (PM2); Missense variant in a gene that has a low rate of benign missense variation and in which missense variants are a common mechanism of disease (PP2); Multiple lines of computational evidence support a deleterious effect on the gene or gene product (PP3); De novo (paternity and maternity confirmed) (PS2).

Literature cited by the submitters: PubMed 31488895.